The following is an entry in ClinVar:

NM_005560.6(LAMA5):c.6648+8G>A

Gene: LAMA5 (laminin subunit alpha 5; minus strand). Cytogenetic location: 20q13.33.
Variant type: single nucleotide variant.
Coding change: c.6648+8G>A on transcript NM_005560.6 (MANE Select); 8 bases into the intron after coding-DNA position 6648, G replaced by A.
Molecular consequence: intron variant.
Genome position (GRCh38, 1-based): chr20:62,320,731, C>T on the plus strand (G>A on the coding strand, the complement: LAMA5 is on the minus strand). VCF-style: chr20-62320731-C-T. GRCh37 (hg19) VCF-style: chr20-60895787-C-T.
Other names: c.6648+8G>A (NM_005560.4).
Identifiers: ClinVar variation 2061794 (VCV002061794.29), dbSNP rs369318027, ClinGen allele CA9941644.

ClinVar aggregate classification (germline): Likely benign. Review status: criteria provided, multiple submitters, no conflicts (2 of 4 stars). 3 submissions from 3 submitters: Likely benign (2). 1 of the submissions does not count toward it. Last evaluated 2025-08-10.

Conditions:
LAMA5-related disorder. Also called: LAMA5-related condition; LAMA5-Related Disorders.

Allele frequency attached by ClinVar (database versions not stated): gnomAD 0.00007; ESP Exome Variant Server 0.00008; gnomAD exomes 0.00011; ExAC 0.00012; TOPMed 0.00013.
gnomAD v4.1: 189 of 1,612,582 alleles (0.012%); highest among the groups gnomAD compares: Middle Eastern, 0.12%; no homozygotes.

Submissions (3):

Labcorp Genetics (formerly Invitae), Labcorp
Classification: Likely benign. Last evaluated: 2025-08-10. Review status: criteria provided, single submitter. Criteria: Invitae Variant Classification Sherloc (09022015). Collection method: clinical testing. Allele origin: germline.

CeGaT Center for Human Genetics Tuebingen
Classification: Likely benign. Last evaluated: 2024-03-01. Review status: criteria provided, single submitter. Criteria: CeGaT Center For Human Genetics Tuebingen Variant Classification Criteria Version 2. Collection method: clinical testing. Allele origin: germline. Affected: yes. Observed: 2 variant alleles.
Comment: LAMA5: BP4

PreventionGenetics, part of Exact Sciences
Classification: Likely benign for LAMA5-related condition. Last evaluated: 2019-12-31. Review status: no assertion criteria provided. Collection method: clinical testing. Allele origin: germline. Not counted in ClinVar's aggregate classification.
Comment: This variant is classified as likely benign based on ACMG/AMP sequence variant interpretation guidelines (Richards et al. 2015 PMID: 25741868, with internal and published modifications).